The following is an entry in ClinVar:

NM_017636.4(TRPM4):c.3600_3611del (p.Gly1202_Pro1205del)

Gene: TRPM4 (transient receptor potential cation channel subfamily M member 4; plus strand). Cytogenetic location: 19q13.33.
Variant type: Deletion.
Coding change: c.3600_3611del on transcript NM_017636.4 (MANE Select); coding-DNA positions 3600 to 3611, 12 bases deleted (CCCAGGTGGGCC).
Protein change: p.Gly1202_Pro1205del.
Molecular consequence: inframe deletion.
Genome position (GRCh38, 1-based): chr19:49,211,229-49,211,240, CCCAGGTGGGCC deleted; deleting any 12 consecutive bases within chr19:49,211,226-49,211,240 gives the same sequence; the c. name uses the placement nearest the transcript's 3' end. VCF-style (leftmost placement, unchanged base first): chr19-49211225-TGCCCCCAGGTGG-T. GRCh37 (hg19) VCF-style: chr19-49714482-TGCCCCCAGGTGG-T.
Other names: c.3165_3176del, p.Gly1057_Pro1060del (NM_001195227.2); c.3255_3266del, p.Gly1087_Pro1090del (NM_001321281.2); c.1992_2003del, p.Gly666_Pro669del (NM_001321282.2); c.3078_3089del, p.Gly1028_Pro1031del (NM_001321283.2); c.2538_2549del, p.Gly848_Pro851del (NM_001321285.2).
Identifiers: ClinVar variation 4741083 (VCV004741083.1).

ClinVar aggregate classification (germline): Uncertain significance (1 of 4 stars; one submission).

Conditions:
Progressive familial heart block type IB (PFHB1B). Identifiers: Orphanet 871, MedGen C1970298, MONDO:0011474, OMIM 604559.

Submission:

Labcorp Genetics (formerly Invitae), Labcorp
Classification: Uncertain significance for Progressive familial heart block type IB. Last evaluated: 2025-06-22. Review status: criteria provided, single submitter. Criteria: Invitae Variant Classification Sherloc (09022015). Collection method: clinical testing. Allele origin: germline.
Comment: This variant, c.3600_3611del, results in the deletion of 4 amino acid(s) of the TRPM4 protein (p.Gly1202_Pro1205del), but otherwise preserves the integrity of the reading frame. This variant is not present in population databases (gnomAD no frequency). This variant has not been reported in the literature in individuals affected with TRPM4-related conditions. Experimental studies and prediction algorithms are not available or were not evaluated, and the functional significance of this variant is currently unknown. In summary, the available evidence is currently insufficient to determine the role of this variant in disease. Therefore, it has been classified as a Variant of Uncertain Significance.